The following is an entry in ClinVar:

ClinVar aggregate classification (germline): Likely benign. Review status: criteria provided, single submitter (1 of 4 stars). 2 submissions from 2 submitters: Likely benign (1). 1 of the submissions does not count toward it. Last evaluated 2026-02-01.

Conditions:
CARD8-related disorder. Also called: CARD8-related condition.

Allele frequency attached by ClinVar (database versions not stated): 1000 Genomes Project 30x 0.00016; 1000 Genomes Project 0.00020; gnomAD 0.00116 and 0.00121; ESP Exome Variant Server 0.00161.
gnomAD v4.1: 2,550 of 1,613,032 alleles (0.16%); highest among the groups gnomAD compares: Non-Finnish European, 0.2%; 6 homozygotes.

Submissions (2):

Labcorp Genetics (formerly Invitae), Labcorp
Classification: Likely benign. Last evaluated: 2026-02-01. Review status: criteria provided, single submitter. Criteria: Invitae Variant Classification Sherloc (09022015). Collection method: clinical testing. Allele origin: germline.

PreventionGenetics, part of Exact Sciences
Classification: Likely benign for CARD8-related condition. Last evaluated: 2024-07-19. Review status: no assertion criteria provided. Collection method: clinical testing. Allele origin: germline. Not counted in ClinVar's aggregate classification.
Comment: This variant is classified as likely benign based on ACMG/AMP sequence variant interpretation guidelines (Richards et al. 2015 PMID: 25741868, with internal and published modifications).

NM_001184900.3(CARD8):c.544G>T (p.Val182Phe)

Gene: CARD8 (caspase recruitment domain family member 8; minus strand). Cytogenetic location: 19q13.33.
Variant type: single nucleotide variant.
Coding change: c.544G>T on transcript NM_001184900.3 (MANE Select); coding-DNA position 544, G replaced by T.
Protein change: p.Val182Phe; replaces valine 182 with phenylalanine.
Molecular consequence: missense variant. On other transcripts: non-coding transcript variant (4).
Genome position (GRCh38, 1-based): chr19:48,231,005, C>A on the plus strand (G>T on the coding strand, the complement: CARD8 is on the minus strand). VCF-style: chr19-48231005-C-A. GRCh37 (hg19) VCF-style: chr19-48734262-C-A.
Other names: c.394G>T, p.Val132Phe (NM_001184901.1, NM_001351783.2, NM_001351788.2 and 2 more transcripts); c.544G>T, p.Val182Phe (NM_001184902.2, NM_001184903.1, NM_001351782.2); c.229G>T, p.Val77Phe (NM_001351784.2, NM_001351787.2, NM_001351791.2 and 2 more transcripts); c.208G>T, p.Val70Phe (NM_001351786.2); c.301G>T, p.Val101Phe (NM_001351790.2); c.544G>T (NM_001184900.1); short protein forms V101F, V132F, V182F, V70F, V77F.
Identifiers: ClinVar variation 1080543 (VCV001080543.10), dbSNP rs150982505, ClinGen allele CA9547977.
Genomic context (GRCh38, chr19:48,231,005, plus strand): 5'-TTACCAGGAAGCCGAGGCCTGTGGCTGACCACAGATACCAGCCAGCAGTGGGGAACCAAA[C>A]GCTGAAAGGAGCCAGAGTGATGTCATGACGGGAGAACCCCAGGACTTGGATTTAAGCAGC-3'
Protein context (NP_001171829.1, residues 172-192): LIDKSTNRYS[Val182Phe]WFPTAGWYLW